The following is an entry in ClinVar:

NM_004415.4(DSP):c.7372A>G (p.Lys2458Glu)

Gene: DSP (desmoplakin; plus strand). Cytogenetic location: 6p24.3.
Variant type: single nucleotide variant.
Coding change: c.7372A>G on transcript NM_004415.4 (MANE Select); coding-DNA position 7372, A replaced by G.
Protein change: p.Lys2458Glu; replaces lysine 2458 with glutamic acid.
Molecular consequence: missense variant.
Genome position (GRCh38, 1-based): chr6:7,584,634, A>G. VCF-style: chr6-7584634-A-G. GRCh37 (hg19) VCF-style: chr6-7584867-A-G.
Other names: c.7372A>G (NM_004415.2); c.5575A>G, p.Lys1859Glu (NM_001008844.3); c.6043A>G, p.Lys2015Glu (NM_001319034.2); short protein forms K1859E, K2458E, K2015E.
Identifiers: ClinVar variation 1433586 (VCV001433586.9), dbSNP rs1759568876, ClinGen allele CA362692857.

ClinVar aggregate classification (germline): Uncertain significance. Review status: criteria provided, multiple submitters, no conflicts (2 of 4 stars). 2 submissions from 2 submitters: Uncertain significance (2). Last evaluated 2025-08-01.

Conditions:
Arrhythmogenic right ventricular dysplasia 8 (ARVD8). Also called: ARRHYTHMOGENIC RIGHT VENTRICULAR DYSPLASIA, FAMILIAL, 8; ARRHYTHMOGENIC RIGHT VENTRICULAR CARDIOMYOPATHY 8; Arrhythmogenic Right Ventricular Dysplasia/Cardiomyopathy 8. Identifiers: MedGen C1843896, MONDO:0011831, OMIM 607450.
Arrhythmogenic cardiomyopathy with wooly hair and keratoderma. Also called: Arrhythmogenic cardiomyopathy with woolly hair and keratoderma; PALMOPLANTAR KERATODERMA WITH LEFT VENTRICULAR CARDIOMYOPATHY AND WOOLLY HAIR; Carvajal syndrome; Dilated cardiomyopathy with woolly hair and keratoderma. Identifiers: Orphanet 65282, MedGen C1854063, MONDO:0011581, OMIM 605676.
Cardiovascular phenotype. Identifiers: MedGen CN230736.

Allele frequency attached by ClinVar (database versions not stated): gnomAD exomes below 0.00001; TOPMed below 0.00001.
gnomAD v4.1: 2 of 1,614,158 alleles (0.00012%); highest among the groups gnomAD compares: Non-Finnish European, 0.00017%; no homozygotes.

Submissions (2):

Ambry Genetics
Classification: Uncertain significance for Cardiovascular phenotype. Last evaluated: 2025-08-01. Review status: criteria provided, single submitter. Criteria: Ambry Variant Classification Scheme 2023. Collection method: clinical testing. Allele origin: germline.

Labcorp Genetics (formerly Invitae), Labcorp
Classification: Uncertain significance for Arrhythmogenic cardiomyopathy with wooly hair and keratoderma; Arrhythmogenic right ventricular dysplasia 8. Last evaluated: 2022-02-06. Review status: criteria provided, single submitter. Criteria: Invitae Variant Classification Sherloc (09022015). Collection method: clinical testing. Allele origin: germline.
Comment: This variant has not been reported in the literature in individuals affected with DSP-related conditions. This variant is not present in population databases (gnomAD no frequency). This sequence change replaces lysine, which is basic and polar, with glutamic acid, which is acidic and polar, at codon 2458 of the DSP protein (p.Lys2458Glu). Algorithms developed to predict the effect of missense changes on protein structure and function (SIFT, PolyPhen-2, Align-GVGD) all suggest that this variant is likely to be disruptive. In summary, the available evidence is currently insufficient to determine the role of this variant in disease. Therefore, it has been classified as a Variant of Uncertain Significance.